The following is an entry in ClinVar:

ClinVar aggregate classification (germline): Benign. Review status: criteria provided, multiple submitters, no conflicts (2 of 4 stars). 13 submissions from 13 submitters: Benign (8). 5 of the submissions do not count toward it. Last evaluated 2026-02-04.

Conditions:
Amyotrophic lateral sclerosis type 6. Also called: FUS-Related Amyotrophic Laterial Sclerosis; AMYOTROPHIC LATERAL SCLEROSIS 6 WITHOUT FRONTOTEMPORAL DEMENTIA; Amyotrophic lateral sclerosis 6, with or without frontotemporal dementia. Identifiers: Orphanet 275872, Orphanet 803, MedGen C2931786, MONDO:0011951, OMIM 608030.
Tremor, hereditary essential, 4 (ETM4). Identifiers: MedGen C3539195, MONDO:0013888, OMIM 614782.

Allele frequency attached by ClinVar (database versions not stated): gnomAD 0.45484 and 0.46037; TOPMed 0.46569; gnomAD exomes 0.52611 and 0.52838; ESP Exome Variant Server 0.45837; 1000 Genomes Project 30x 0.46362; 1000 Genomes Project 0.47384; ExAC 0.51857.
gnomAD v4.1: 840,130 of 1,613,822 alleles (52%); highest among the groups gnomAD compares: East Asian, 79%; 224,732 homozygotes.

Submissions (13):

Labcorp Genetics (formerly Invitae), Labcorp
Classification: Benign for Tremor, hereditary essential, 4; Amyotrophic lateral sclerosis type 6. Last evaluated: 2026-02-04. Review status: criteria provided, single submitter. Criteria: Invitae Variant Classification Sherloc (09022015). Collection method: clinical testing. Allele origin: germline.

Genome-Nilou Lab
Classification: Benign for Tremor, hereditary essential, 4. Last evaluated: 2021-08-10. Review status: criteria provided, single submitter. Criteria: ACMG Guidelines, 2015. Collection method: clinical testing. Allele origin: germline. Affected: no.

GeneDx
Classification: Benign. Last evaluated: 2018-08-13. Review status: criteria provided, single submitter. Criteria: GeneDx Variant Classification Process June 2021. Collection method: clinical testing. Allele origin: germline. Affected: yes.

Illumina Laboratory Services, Illumina
Classification: Benign for Amyotrophic lateral sclerosis type 6. Last evaluated: 2018-01-12. Review status: criteria provided, single submitter. Criteria: ICSL Variant Classification Criteria 13 December 2019. Collection method: clinical testing. Allele origin: germline.
Comment: This variant was observed in the ICSL laboratory as part of a predisposition screen in an ostensibly healthy population. It had not been previously curated by ICSL or reported in the Human Gene Mutation Database (HGMD: prior to June 1st, 2018), and was therefore a candidate for classification through an automated scoring system. Utilizing variant allele frequency, disease prevalence and penetrance estimates, and inheritance mode, an automated score was calculated to assess if this variant is too frequent to cause the disease. Based on the score and internal cut-off values, a variant classified as benign is not then subjected to further curation. The score for this variant resulted in a classification of benign for this disease.

Mayo Clinic Laboratories, Mayo Clinic
Classification: Benign. Last evaluated: 2017-07-19. Review status: criteria provided, single submitter. Criteria: ACMG Guidelines, 2015. Collection method: clinical testing. Allele origin: germline. Observed: 1,126 variant alleles.

Athena Diagnostics
Classification: Benign for Amyotrophic lateral sclerosis type 6. Last evaluated: 2017-05-31. Review status: criteria provided, single submitter. Criteria: Athena Diagnostics Criteria. Collection method: clinical testing. Allele origin: germline.

Breakthrough Genomics
Classification: Benign. Review status: criteria provided, single submitter. Criteria: ACMG Guidelines, 2015. Collection method: not provided. Allele origin: germline. Inheritance: Autosomal dominant inheritance. Affected: yes.

PreventionGenetics, part of Exact Sciences
Classification: Benign. Review status: criteria provided, single submitter. Criteria: ACMG Guidelines, 2015. Collection method: clinical testing. Allele origin: germline.

Clinical Genetics DNA and cytogenetics Diagnostics Lab, Erasmus MC, Erasmus Medical Center
Classification: Benign. Review status: no assertion criteria provided. Collection method: clinical testing. Allele origin: germline. Affected: yes. Study: VKGL Data-share Consensus. Not counted in ClinVar's aggregate classification.

Clinical Genetics, Academic Medical Center
Classification: Benign. Review status: no assertion criteria provided. Collection method: clinical testing. Allele origin: germline. Affected: yes. Study: VKGL Data-share Consensus. Not counted in ClinVar's aggregate classification.

Diagnostic Laboratory, Department of Genetics, University Medical Center Groningen
Classification: Benign. Review status: no assertion criteria provided. Collection method: clinical testing. Allele origin: germline. Affected: yes. Study: VKGL Data-share Consensus. Not counted in ClinVar's aggregate classification.

Genome Diagnostics Laboratory, Amsterdam University Medical Center
Classification: Benign. Review status: no assertion criteria provided. Collection method: clinical testing. Allele origin: germline. Affected: yes. Study: VKGL Data-share Consensus. Not counted in ClinVar's aggregate classification.

Genome Diagnostics Laboratory, University Medical Center Utrecht
Classification: Benign. Review status: no assertion criteria provided. Collection method: clinical testing. Allele origin: germline. Affected: yes. Study: VKGL Data-share Consensus. Not counted in ClinVar's aggregate classification.

NM_004960.4(FUS):c.291C>T (p.Tyr97=)

Gene: FUS (FUS RNA binding protein; plus strand). Cytogenetic location: 16p11.2.
Variant type: single nucleotide variant.
Coding change: c.291C>T on transcript NM_004960.4 (MANE Select); coding-DNA position 291, C replaced by T.
Protein change: p.Tyr97=; no amino-acid change (tyrosine 97 retained).
Molecular consequence: synonymous variant. On other transcripts: non-coding transcript variant (1).
Genome position (GRCh38, 1-based): chr16:31,183,958, C>T. VCF-style: chr16-31183958-C-T. GRCh37 (hg19) VCF-style: chr16-31195279-C-T.
Other names: p.Tyr97=; c.288C>T, p.Tyr96= (NM_001170634.1); c.291C>T, p.Tyr97= (NM_001170937.1).
Identifiers: ClinVar variation 259598 (VCV000259598.27), dbSNP rs1052352, ClinGen allele CA8023561.